The following is an entry in ClinVar:

NM_000455.5(STK11):c.625A>C (p.Thr209Pro)

Gene: STK11 (serine/threonine kinase 11; plus strand). Cytogenetic location: 19p13.3.
Variant type: single nucleotide variant.
Coding change: c.625A>C on transcript NM_000455.5 (MANE Select); coding-DNA position 625, A replaced by C.
Protein change: p.Thr209Pro; replaces threonine 209 with proline.
Molecular consequence: missense variant.
Genome position (GRCh38, 1-based): chr19:1,220,608, A>C. VCF-style: chr19-1220608-A-C. GRCh37 (hg19) VCF-style: chr19-1220607-A-C.
Other names: short protein forms T209P.
Identifiers: ClinVar variation 643353 (VCV000643353.9), dbSNP rs1555738373, ClinGen allele CA402949502.

ClinVar aggregate classification (germline): Uncertain significance. Review status: criteria provided, multiple submitters, no conflicts (2 of 4 stars). 2 submissions from 2 submitters: Uncertain significance (2). Last evaluated 2025-09-25.

Conditions:
Melanoma, cutaneous malignant, susceptibility to, 1 (CMM1). Also called: MELANOMA, MALIGNANT; DYSPLASTIC NEVUS SYNDROME, HEREDITARY; FAMILIAL ATYPICAL MOLE-MALIGNANT MELANOMA SYNDROME; B-K MOLE SYNDROME. Identifiers: Orphanet 618, MedGen C1835047, MONDO:0007963, OMIM 155600.
Peutz-Jeghers syndrome (PJS). Also called: POLYPOSIS, HAMARTOMATOUS INTESTINAL; POLYPS-AND-SPOTS SYNDROME; Peutz-Jeghers polyposis; Periorificial lentiginosis syndrome. Identifiers: Orphanet 2869, MedGen C0031269, MeSH D010580, MONDO:0008280, OMIM 175200.

Submissions (2):

Labcorp Genetics (formerly Invitae), Labcorp
Classification: Uncertain significance for Peutz-Jeghers syndrome. Last evaluated: 2025-09-25. Review status: criteria provided, single submitter. Criteria: Invitae Variant Classification Sherloc (09022015). Collection method: clinical testing. Allele origin: germline.
Comment: This sequence change replaces threonine, which is neutral and polar, with proline, which is neutral and non-polar, at codon 209 of the STK11 protein (p.Thr209Pro). This variant is not present in population databases (gnomAD no frequency). This variant has not been reported in the literature in individuals affected with STK11-related conditions. ClinVar contains an entry for this variant (Variation ID: 643353). Invitae Evidence Modeling of protein sequence and biophysical properties (such as structural, functional, and spatial information, amino acid conservation, physicochemical variation, residue mobility, and thermodynamic stability) has been performed for this missense variant. However, the output from this modeling did not meet the statistical confidence thresholds required to predict the impact of this variant on STK11 protein function. In summary, the available evidence is currently insufficient to determine the role of this variant in disease. Therefore, it has been classified as a Variant of Uncertain Significance.

Baylor Genetics
Classification: Uncertain significance for Melanoma, cutaneous malignant, susceptibility to, 1. Last evaluated: 2024-01-03. Review status: criteria provided, single submitter. Criteria: ACMG Guidelines, 2015. Collection method: clinical testing. Allele origin: unknown.